The following is an entry in ClinVar:

ClinVar aggregate classification (germline): Uncertain significance (1 of 4 stars; one submission).

Conditions:
Hereditary cancer-predisposing syndrome. Also called: Tumor predisposition; Neoplastic Syndromes, Hereditary; Hereditary Cancer Syndrome; Hereditary neoplastic syndrome. Identifiers: Orphanet 140162, MedGen C0027672, MeSH D009386, MONDO:0015356.

gnomAD v4.1: 1 of 1,614,190 alleles (0.000062%); highest among the groups gnomAD compares: Non-Finnish European, 0.000085%; no homozygotes.

Submission:

Ambry Genetics
Classification: Uncertain significance for Hereditary cancer-predisposing syndrome. Last evaluated: 2024-07-09. Review status: criteria provided, single submitter. Criteria: Ambry Variant Classification Scheme 2023. Collection method: clinical testing. Allele origin: germline.
Comment: The p.A408T variant (also known as c.1222G>A), located in coding exon 12 of the FANCC gene, results from a G to A substitution at nucleotide position 1222. The alanine at codon 408 is replaced by threonine, an amino acid with similar properties. This amino acid position is conserved. In addition, this alteration is predicted to be tolerated by in silico analysis. Based on the available evidence, the clinical significance of this variant remains unclear.

NM_000136.3(FANCC):c.1222G>A (p.Ala408Thr)

Genes: FANCC (FA complementation group C; minus strand), AOPEP (aminopeptidase O (putative); plus strand). Cytogenetic location: 9q22.32.
Variant type: single nucleotide variant.
Coding change: c.1222G>A on transcript NM_000136.3 (MANE Select); coding-DNA position 1222, G replaced by A.
Protein change: p.Ala408Thr; replaces alanine 408 with threonine.
Molecular consequence: missense variant.
Genome position (GRCh38, 1-based): chr9:95,111,570, C>T on the plus strand (G>A on the coding strand, the complement: FANCC is on the minus strand). VCF-style: chr9-95111570-C-T. GRCh37 (hg19) VCF-style: chr9-97873852-C-T.
Other names: c.1222G>A, p.Ala408Thr (NM_001243743.2, NM_001243744.2); short protein forms A408T.
Identifiers: ClinVar variation 3512765 (VCV003512765.1).